The following is an entry in ClinVar:

NM_018297.4(NGLY1):c.872G>A (p.Arg291Gln)

Gene: NGLY1 (N-glycanase 1; minus strand). Cytogenetic location: 3p24.2.
Variant type: single nucleotide variant.
Coding change: c.872G>A on transcript NM_018297.4 (MANE Select); coding-DNA position 872, G replaced by A.
Protein change: p.Arg291Gln; replaces arginine 291 with glutamine.
Molecular consequence: missense variant.
Genome position (GRCh38, 1-based): chr3:25,739,586, C>T on the plus strand (G>A on the coding strand, the complement: NGLY1 is on the minus strand). VCF-style: chr3-25739586-C-T. GRCh37 (hg19) VCF-style: chr3-25781077-C-T.
Other names: c.872G>A, p.Arg291Gln (NM_001145293.2, NM_001145295.2); c.746G>A, p.Arg249Gln (NM_001145294.2); short protein forms R249Q, R291Q.
Identifiers: ClinVar variation 474236 (VCV000474236.8), dbSNP rs769627493, ClinGen allele CA2289367.

ClinVar aggregate classification (germline): Uncertain significance. Review status: criteria provided, multiple submitters, no conflicts (2 of 4 stars). 2 submissions from 2 submitters: Uncertain significance (2). Last evaluated 2026-04-02.

Conditions:
Congenital disorder of deglycosylation (CDDG). Identifiers: MedGen C3808991, MONDO:0031376.

Allele frequency attached by ClinVar (database versions not stated): ExAC 0.00002; gnomAD exomes 0.00001 and 0.00002.
gnomAD v4.1: 15 of 1,614,008 alleles (0.00093%); highest among the groups gnomAD compares: Admixed American, 0.0067%; no homozygotes.

Submissions (2):

GeneDx
Classification: Uncertain significance. Last evaluated: 2026-04-02. Review status: criteria provided, single submitter. Criteria: GeneDx Variant Classification Process June 2021. Collection method: clinical testing. Allele origin: germline.
Comment: Reported previously with a second variant in a patient with bronchial atresia, cough, delayed eruption of permanent teeth, eczema, fatigue, pain, poor appetite, recurrent ear infections, recurrent mycobacterial infections, seizure, and sinusitis; however, phase was not determined and the patient also harbored a pathogenic variant in separate gene (PMID: 35753512); Not observed at significant frequency in large population cohorts (gnomAD); In silico analysis supports that this missense variant has a deleterious effect on protein structure/function; This variant is associated with the following publications: (PMID: 35753512)

Labcorp Genetics (formerly Invitae), Labcorp
Classification: Uncertain significance for Congenital disorder of deglycosylation. Last evaluated: 2026-01-05. Review status: criteria provided, single submitter. Criteria: Invitae Variant Classification Sherloc (09022015). Collection method: clinical testing. Allele origin: germline.
Comment: This sequence change replaces arginine, which is basic and polar, with glutamine, which is neutral and polar, at codon 291 of the NGLY1 protein (p.Arg291Gln). This variant is present in population databases (rs769627493, gnomAD 0.01%). This missense change has been observed in individual(s) with clinical features of NGLY1-related conditions (PMID: 35753512). ClinVar contains an entry for this variant (Variation ID: 474236). Invitae Evidence Modeling of protein sequence and biophysical properties (such as structural, functional, and spatial information, amino acid conservation, physicochemical variation, residue mobility, and thermodynamic stability) indicates that this missense variant is expected to disrupt NGLY1 protein function with a positive predictive value of 80%. In summary, the available evidence is currently insufficient to determine the role of this variant in disease. Therefore, it has been classified as a Variant of Uncertain Significance.

Literature cited by the submitters: PubMed 35753512 (cited by Labcorp Genetics (formerly Invitae), Labcorp).